The following is an entry in ClinVar:

NM_000069.3(CACNA1S):c.1352C>T (p.Ser451Leu)

Gene: CACNA1S (calcium voltage-gated channel subunit alpha1 S; minus strand). Cytogenetic location: 1q32.1.
Variant type: single nucleotide variant.
Coding change: c.1352C>T on transcript NM_000069.3 (MANE Select); coding-DNA position 1352, C replaced by T.
Protein change: p.Ser451Leu; replaces serine 451 with leucine.
Molecular consequence: missense variant.
Genome position (GRCh38, 1-based): chr1:201,083,203, G>A on the plus strand (C>T on the coding strand, the complement: CACNA1S is on the minus strand). VCF-style: chr1-201083203-G-A. GRCh37 (hg19) VCF-style: chr1-201052331-G-A.
Other names: short protein forms S451L.
Identifiers: ClinVar variation 294767 (VCV000294767.24), dbSNP rs35521793, ClinGen allele CA078157.

ClinVar aggregate classification (germline): Conflicting classifications of pathogenicity. Review status: criteria provided, conflicting classifications (1 of 4 stars). 5 submissions from 5 submitters: Uncertain significance (3); Likely benign (2). Last evaluated 2026-09-24.

Conditions:
Malignant hyperthermia, susceptibility to, 5 (MHS5). Also called: CACNA1S-Related Malignant Hyperthermia Susceptibility. Identifiers: Orphanet 423, MedGen C1866077, MONDO:0011163, OMIM 601887.
Hypokalemic periodic paralysis, type 1. Also called: Hypokalemic Periodic Paralysis Type 1 (AD); HypoPP. Identifiers: Orphanet 681, MedGen C3714580, MONDO:0042979, OMIM 170400.
Inborn genetic diseases. Identifiers: MedGen C0950123, MeSH D030342.

Allele frequency attached by ClinVar (database versions not stated): gnomAD exomes 0.00003 and 0.00005; gnomAD 0.00005; ESP Exome Variant Server 0.00008; ExAC 0.00002; TOPMed 0.00005.
gnomAD v4.1: 52 of 1,614,116 alleles (0.0032%); highest among the groups gnomAD compares: Middle Eastern, 0.016%; no homozygotes.

Submissions (5):

GeneDx
Classification: Uncertain significance. Last evaluated: 2026-09-24. Review status: criteria provided, single submitter. Criteria: GeneDx Variant Classification Process June 2021. Collection method: clinical testing. Allele origin: germline.
Comment: In silico analysis supports that this missense variant has a deleterious effect on protein structure/function; Has not been previously published as pathogenic or benign to our knowledge

Labcorp Genetics (formerly Invitae), Labcorp
Classification: Likely benign for Hypokalemic periodic paralysis, type 1; Malignant hyperthermia, susceptibility to, 5. Last evaluated: 2025-08-31. Review status: criteria provided, single submitter. Criteria: Invitae Variant Classification Sherloc (09022015). Collection method: clinical testing. Allele origin: germline.

Ambry Genetics
Classification: Uncertain significance for Inborn genetic diseases. Last evaluated: 2025-06-25. Review status: criteria provided, single submitter. Criteria: Ambry Variant Classification Scheme 2023. Collection method: clinical testing. Allele origin: germline.

Color Diagnostics, LLC DBA Color Health
Classification: Uncertain significance for Malignant hyperthermia, susceptibility to, 5. Last evaluated: 2025-06-23. Review status: criteria provided, single submitter. Criteria: ACMG Guidelines, 2015. Collection method: clinical testing. Allele origin: germline.
Comment: This missense variant replaces serine with leucine at codon 451 of the CACNA1S protein. Computational prediction is inconclusive regarding the impact of this variant on protein structure and function. To our knowledge, functional studies have not been reported for this variant. This variant has not been reported in individuals affected with CACNA1S-related disorders in the literature. This variant has been identified in 12/251448 chromosomes in the general population by the Genome Aggregation Database (gnomAD). The available evidence is insufficient to determine the role of this variant in disease conclusively. Therefore, this variant is classified as a Variant of Uncertain Significance.

Illumina Laboratory Services, Illumina
Classification: Likely benign for Hypokalemic periodic paralysis, type 1. Last evaluated: 2018-01-13. Review status: criteria provided, single submitter. Criteria: ICSL Variant Classification Criteria 13 December 2019. Collection method: clinical testing. Allele origin: germline.
Comment: This variant was observed in the ICSL laboratory as part of a predisposition screen in an ostensibly healthy population. It had not been previously curated by ICSL or reported in the Human Gene Mutation Database (HGMD: prior to June 1st, 2018), and was therefore a candidate for classification through an automated scoring system. Utilizing variant allele frequency, disease prevalence and penetrance estimates, and inheritance mode, an automated score was calculated to assess if this variant is too frequent to cause the disease. Based on the score and internal cut-off values, a variant classified as likely benign is not then subjected to further curation. The score for this variant resulted in a classification of likely benign for this disease.